The following is an entry in ClinVar:

NM_001267727.2(ARSG):c.977G>T (p.Arg326Leu)

Gene: ARSG (arylsulfatase G; plus strand). Cytogenetic location: 17q24.2.
Variant type: single nucleotide variant.
Coding change: c.977G>T on transcript NM_001267727.2 (MANE Select); coding-DNA position 977, G replaced by T.
Protein change: p.Arg326Leu; replaces arginine 326 with leucine.
Molecular consequence: missense variant.
Genome position (GRCh38, 1-based): chr17:68,370,519, G>T. VCF-style: chr17-68370519-G-T. GRCh37 (hg19) VCF-style: chr17-66366660-G-T.
Other names: c.977G>T, p.Arg326Leu (NM_001352899.2, NM_001352900.2, NM_001352901.2 and 3 more transcripts); c.974G>T, p.Arg325Leu (NM_001352903.2, NM_001352904.2, NM_001352905.2 and 2 more transcripts); c.929G>T, p.Arg310Leu (NM_001352909.2); short protein forms R326L, R310L, R325L.
Identifiers: ClinVar variation 1951660 (VCV001951660.5), dbSNP rs372096059, ClinGen allele CA8728415.

ClinVar aggregate classification (germline): Uncertain significance (1 of 4 stars; one submission).

Allele frequency attached by ClinVar (database versions not stated): ESP Exome Variant Server 0.00008.
gnomAD v4.1: 2 of 1,613,712 alleles (0.00012%); highest among the groups gnomAD compares: Non-Finnish European, 0.00017%; no homozygotes.

Submission:

Labcorp Genetics (formerly Invitae), Labcorp
Classification: Uncertain significance. Last evaluated: 2025-04-16. Review status: criteria provided, single submitter. Criteria: Invitae Variant Classification Sherloc (09022015). Collection method: clinical testing. Allele origin: germline.
Comment: This sequence change replaces arginine, which is basic and polar, with leucine, which is neutral and non-polar, at codon 326 of the ARSG protein (p.Arg326Leu). The frequency data for this variant in the population databases is considered unreliable, as metrics indicate poor data quality at this position in the gnomAD database. This variant has not been reported in the literature in individuals affected with ARSG-related conditions. ClinVar contains an entry for this variant (Variation ID: 1951660). An algorithm developed to predict the effect of missense changes on protein structure and function (PolyPhen-2) suggests that this variant is likely to be tolerated. In summary, the available evidence is currently insufficient to determine the role of this variant in disease. Therefore, it has been classified as a Variant of Uncertain Significance.